The following is an entry in ClinVar:

ClinVar aggregate classification (germline): Uncertain significance (1 of 4 stars; one submission).

Submission:

Labcorp Genetics (formerly Invitae), Labcorp
Classification: Uncertain significance. Last evaluated: 2022-03-17. Review status: criteria provided, single submitter. Criteria: Invitae Variant Classification Sherloc (09022015). Collection method: clinical testing. Allele origin: germline.
Comment: In summary, the available evidence is currently insufficient to determine the role of this variant in disease. Therefore, it has been classified as a Variant of Uncertain Significance. Algorithms developed to predict the effect of missense changes on protein structure and function are either unavailable or do not agree on the potential impact of this missense change (SIFT: "Deleterious"; PolyPhen-2: "Benign"; Align-GVGD: "Class C35"). This variant has not been reported in the literature in individuals affected with MTOR-related conditions. This variant is not present in population databases (gnomAD no frequency). This sequence change replaces valine, which is neutral and non-polar, with glycine, which is neutral and non-polar, at codon 761 of the MTOR protein (p.Val761Gly).

NM_004958.4(MTOR):c.2282T>G (p.Val761Gly)

Gene: MTOR (mechanistic target of rapamycin kinase; minus strand). Cytogenetic location: 1p36.22.
Variant type: single nucleotide variant.
Coding change: c.2282T>G on transcript NM_004958.4 (MANE Select); coding-DNA position 2282, T replaced by G.
Protein change: p.Val761Gly; replaces valine 761 with glycine.
Molecular consequence: missense variant.
Genome position (GRCh38, 1-based): chr1:11,234,192, A>C on the plus strand (T>G on the coding strand, the complement: MTOR is on the minus strand). VCF-style: chr1-11234192-A-C. GRCh37 (hg19) VCF-style: chr1-11294249-A-C.
Other names: c.2282T>G, p.Val761Gly (NM_001386500.1); c.1034T>G, p.Val345Gly (NM_001386501.1); short protein forms V761G, V345G.
Identifiers: ClinVar variation 2113337 (VCV002113337.4), dbSNP rs2100881655, ClinGen allele CA338384707.